The following is an entry in ClinVar:

ClinVar aggregate classification (germline): Conflicting classifications of pathogenicity. Review status: criteria provided, conflicting classifications (1 of 4 stars). 5 submissions from 5 submitters: Uncertain significance (2); Likely benign (2). 1 of the submissions does not count toward it. Last evaluated 2025-01-15.

Conditions:
ECHS1-related disorder. Also called: ECHS1-related condition.

Allele frequency attached by ClinVar (database versions not stated): gnomAD exomes 0.00007 and 0.00012; ExAC 0.00010; gnomAD 0.00030 and 0.00034; 1000 Genomes Project 30x 0.00031; TOPMed 0.00036; 1000 Genomes Project 0.00040; ESP Exome Variant Server 0.00046.
gnomAD v4.1: 144 of 1,613,390 alleles (0.0089%); highest among the groups gnomAD compares: African/African-American, 0.12%; no homozygotes.

Submissions (5):

Labcorp Genetics (formerly Invitae), Labcorp
Classification: Uncertain significance. Last evaluated: 2025-01-15. Review status: criteria provided, single submitter. Criteria: Invitae Variant Classification Sherloc (09022015). Collection method: clinical testing. Allele origin: germline.
Comment: This sequence change affects codon 138 of the ECHS1 mRNA. It is a 'silent' change, meaning that it does not change the encoded amino acid sequence of the ECHS1 protein. It affects a nucleotide within the consensus splice site. This variant is present in population databases (rs149399503, gnomAD 0.1%). This variant has not been reported in the literature in individuals affected with ECHS1-related conditions. ClinVar contains an entry for this variant (Variation ID: 1376473). Algorithms developed to predict the effect of sequence changes on RNA splicing suggest that this variant is not likely to affect RNA splicing. In summary, the available evidence is currently insufficient to determine the role of this variant in disease. Therefore, it has been classified as a Variant of Uncertain Significance.

Blueprint Genetics
Classification: Likely benign. Last evaluated: 2024-10-28. Review status: criteria provided, single submitter. Criteria: ACMG Guidelines, 2015. Collection method: clinical testing. Allele origin: germline.

GeneDx
Classification: Likely benign. Last evaluated: 2021-02-16. Review status: criteria provided, single submitter. Criteria: GeneDx Variant Classification Process June 2021. Collection method: clinical testing. Allele origin: germline. Affected: yes.

Breakthrough Genomics
Classification: Uncertain significance. Review status: criteria provided, single submitter. Criteria: ACMG Guidelines, 2015. Collection method: not provided. Allele origin: germline. Inheritance: Autosomal recessive inheritance. Affected: yes.

PreventionGenetics, part of Exact Sciences
Classification: Likely benign for ECHS1-related condition. Last evaluated: 2019-04-24. Review status: no assertion criteria provided. Collection method: clinical testing. Allele origin: germline. Not counted in ClinVar's aggregate classification.
Comment: This variant is classified as likely benign based on ACMG/AMP sequence variant interpretation guidelines (Richards et al. 2015 PMID: 25741868, with internal and published modifications).

NM_004092.4(ECHS1):c.414C>T (p.Ala138=)

Gene: ECHS1 (enoyl-CoA hydratase, short chain 1; minus strand). Cytogenetic location: 10q26.3.
Variant type: single nucleotide variant.
Coding change: c.414C>T on transcript NM_004092.4 (MANE Select); coding-DNA position 414, C replaced by T.
Protein change: p.Ala138=; no amino-acid change (alanine 138 retained).
Molecular consequence: synonymous variant.
Genome position (GRCh38, 1-based): chr10:133,369,904, G>A on the plus strand (C>T on the coding strand, the complement: ECHS1 is on the minus strand). VCF-style: chr10-133369904-G-A. GRCh37 (hg19) VCF-style: chr10-135183408-G-A.
Identifiers: ClinVar variation 1376473 (VCV001376473.9), dbSNP rs149399503, ClinGen allele CA5765798.